The following is an entry in ClinVar:

ClinVar aggregate classification (germline): Uncertain significance (1 of 4 stars; one submission).

Conditions:
Developmental and epileptic encephalopathy, 34 (DEE34). Also called: Early infantile epileptic encephalopathy 34; SLC12A5-Related Epilepsy of Infancy with Migrating Focal Seizures. Identifiers: Orphanet 293181, MedGen C4225257, MONDO:0014718, OMIM 616645.

Submission:

Labcorp Genetics (formerly Invitae), Labcorp
Classification: Uncertain significance for Developmental and epileptic encephalopathy, 34. Last evaluated: 2021-02-16. Review status: criteria provided, single submitter. Criteria: Invitae Variant Classification Sherloc (09022015). Collection method: clinical testing. Allele origin: germline.
Comment: This variant has not been reported in the literature in individuals with SLC12A5-related conditions. In summary, the available evidence is currently insufficient to determine the role of this variant in disease. Therefore, it has been classified as a Variant of Uncertain Significance. Algorithms developed to predict the effect of missense changes on protein structure and function are either unavailable or do not agree on the potential impact of this missense change (SIFT: "Deleterious"; PolyPhen-2: "Possibly Damaging"; Align-GVGD: "Class C0"). This variant is not present in population databases (ExAC no frequency). This sequence change replaces serine with phenylalanine at codon 553 of the SLC12A5 protein (p.Ser553Phe). The serine residue is moderately conserved and there is a large physicochemical difference between serine and phenylalanine.

NM_020708.5(SLC12A5):c.1658C>T (p.Ser553Phe)

Gene: SLC12A5 (solute carrier family 12 member 5; plus strand). Cytogenetic location: 20q13.12.
Variant type: single nucleotide variant.
Coding change: c.1658C>T on transcript NM_020708.5 (MANE Select); coding-DNA position 1658, C replaced by T.
Protein change: p.Ser553Phe; replaces serine 553 with phenylalanine.
Molecular consequence: missense variant.
Genome position (GRCh38, 1-based): chr20:46,045,966, C>T. VCF-style: chr20-46045966-C-T. GRCh37 (hg19) VCF-style: chr20-44674605-C-T.
Other names: c.1727C>T, p.Ser576Phe (NM_001134771.2); short protein forms S553F, S576F.
Identifiers: ClinVar variation 1373057 (VCV001373057.8), dbSNP rs2145494762, ClinGen allele CA409196442.